The following is an entry in ClinVar:

NM_000159.4(GCDH):c.576_577delinsAC (p.Thr193Pro)

Gene: GCDH (glutaryl-CoA dehydrogenase; plus strand). Cytogenetic location: 19p13.13.
Variant type: Indel.
Coding change: c.576_577delinsAC on transcript NM_000159.4 (MANE Select); coding-DNA positions 576 to 577, GA replaced by AC.
Protein change: p.Thr193Pro; replaces threonine 193 with proline.
Molecular consequence: missense variant. On other transcripts: non-coding transcript variant (2).
Genome position (GRCh38, 1-based): chr19:12,896,062-12,896,063, GA replaced by AC. VCF-style: chr19-12896062-GA-AC. GRCh37 (hg19) VCF-style: chr19-13006876-GA-AC.
Other names: c.576_577delinsAC, p.Thr193Pro (NM_013976.5); short protein forms T193P.
Identifiers: ClinVar variation 2415198 (VCV002415198.4), dbSNP rs2512572908, ClinGen allele CA2580096510.

ClinVar aggregate classification (germline): Uncertain significance (1 of 4 stars; one submission).

Conditions:
Glutaric aciduria, type 1. Also called: GA I; Glutaryl-CoA dehydrogenase deficiency; Glutaricaciduria, type I; Glutaric Acidemia Type 1; Glutaric acidemia type I; Glutaricacidemia Type 1. Identifiers: Orphanet 25, MedGen C0268595, MONDO:0009281, OMIM 231670.

Submission:

Labcorp Genetics (formerly Invitae), Labcorp
Classification: Uncertain significance for Glutaric aciduria, type 1. Last evaluated: 2022-07-11. Review status: criteria provided, single submitter. Criteria: Invitae Variant Classification Sherloc (09022015). Collection method: clinical testing. Allele origin: germline.
Comment: This sequence change replaces threonine, which is neutral and polar, with proline, which is neutral and non-polar, at codon 193 of the GCDH protein (p.Thr193Pro). Information on the frequency of this variant in the gnomAD database is not available, as this variant may be reported differently in the database. This variant has not been reported in the literature in individuals affected with GCDH-related conditions. Experimental studies and prediction algorithms are not available or were not evaluated, and the functional significance of this variant is currently unknown. In summary, the available evidence is currently insufficient to determine the role of this variant in disease. Therefore, it has been classified as a Variant of Uncertain Significance.